The following is an entry in ClinVar:

ClinVar aggregate classification (germline): Pathogenic/Likely pathogenic. Review status: criteria provided, multiple submitters, no conflicts (2 of 4 stars). 3 submissions from 3 submitters: Pathogenic (2); Likely pathogenic (1). Last evaluated 2025-05-18.

Conditions:
Developmental and epileptic encephalopathy, 23 (DEE23). Also called: Epileptic encephalopathy, early infantile, 23. Identifiers: Orphanet 411986, MedGen C4014492, MONDO:0014371, OMIM 615859.

Allele frequency attached by ClinVar (database versions not stated): gnomAD exomes below 0.00001; TOPMed below 0.00001.
gnomAD v4.1: 6 of 1,613,572 alleles (0.00037%); highest among the groups gnomAD compares: Non-Finnish European, 0.00051%; no homozygotes.

Submissions (3):

Labcorp Genetics (formerly Invitae), Labcorp
Classification: Pathogenic for Developmental and epileptic encephalopathy, 23. Last evaluated: 2025-05-18. Review status: criteria provided, single submitter. Criteria: Invitae Variant Classification Sherloc (09022015). Collection method: clinical testing. Allele origin: germline.
Comment: This sequence change creates a premature translational stop signal (p.Arg1415*) in the DOCK7 gene. It is expected to result in an absent or disrupted protein product. Loss-of-function variants in DOCK7 are known to be pathogenic (PMID: 24814191). This variant is not present in population databases (gnomAD no frequency). This premature translational stop signal has been observed in individual(s) with DOCK7-related conditions (PMID: 37291213). ClinVar contains an entry for this variant (Variation ID: 2500750). For these reasons, this variant has been classified as Pathogenic.

Neuberg Centre For Genomic Medicine, NCGM
Classification: Likely pathogenic for Developmental and epileptic encephalopathy, 23. Last evaluated: 2023-05-20. Review status: criteria provided, single submitter. Criteria: ACMG Guidelines, 2015. Collection method: clinical testing. Allele origin: germline. Inheritance: Autosomal recessive inheritance. Affected: yes.
Comment: The observed stop gained c.4243C>T(p.Arg1415Ter) variant in DOCK7 gene has not been reported previously as a pathogenic variant nor as a benign variant, to our knowledge. This variant is reported with the allele frequency of 0.0% in the gnomAD Exomes. This variant is predicted to cause loss of normal protein function either through protein truncation or nonsense-mediated mRNA decay. Loss of function variants have been previously reported to be disease causing. Computational evidence (MutationTaster - Disease causing automatic) predicts damaging effect on protein structure and function for this variant. For these reasons, this variant has been classified as Likely Pathogenic. In the absence of another reportable variant, the molecular diagnosis is not confirmed.

Victorian Clinical Genetics Services, Murdoch Childrens Research Institute
Classification: Pathogenic for Developmental and epileptic encephalopathy, 23. Last evaluated: 2022-03-31. Review status: criteria provided, single submitter. Criteria: ACMG Guidelines, 2015. Collection method: clinical testing. Allele origin: germline. Inheritance: Autosomal recessive inheritance. Affected: yes.
Comment: Based on the classification scheme VCGS_Germline_v1.3.4, this variant is classified as Pathogenic. Following criteria are met: 0102 - Loss of function is a known mechanism of disease in this gene and is associated with Developmental and epileptic encephalopathy 23 (MIM#615859). (I) 0106 - This gene is associated with autosomal recessive disease. (I) 0201 - Variant is predicted to cause nonsense-mediated decay (NMD) and loss of protein (premature termination codon is located at least 54 nucleotides upstream of the final exon-exon junction). (SP) 0251 - This variant is heterozygous. (I) 0301 - Variant is absent from gnomAD (both v2 and v3). (SP) 0701 - Other NMD-predicted variants comparable to the one identified in this case have very strong previous evidence for pathogenicity. NMD-predicted variants in this gene are well-reported pathogenic in ClinVar and the literature (PMID: 24814191). (SP) 0807 - This variant has no previous evidence of pathogenicity. (I) 0905 - No published segregation evidence has been identified for this variant. (I) 1007 - No published functional evidence has been identified for this variant. (I) Legend: (SP) - Supporting pathogenic, (I) - Information, (SB) - Supporting benign

Literature cited by the submitters: PubMed 24814191 (cited by Labcorp Genetics (formerly Invitae), Labcorp and Victorian Clinical Genetics Services, Murdoch Childrens Research Institute); PubMed 37291213 (cited by Labcorp Genetics (formerly Invitae), Labcorp).

NM_001367561.1(DOCK7):c.4243C>T (p.Arg1415Ter)

Gene: DOCK7 (dedicator of cytokinesis 7; minus strand). Cytogenetic location: 1p31.3.
Variant type: single nucleotide variant.
Coding change: c.4243C>T on transcript NM_001367561.1 (MANE Select); coding-DNA position 4243, C replaced by T.
Protein change: p.Arg1415Ter; replaces arginine 1415 with a stop codon.
Molecular consequence: nonsense.
Genome position (GRCh38, 1-based): chr1:62,513,483, G>A on the plus strand (C>T on the coding strand, the complement: DOCK7 is on the minus strand). VCF-style: chr1-62513483-G-A. GRCh37 (hg19) VCF-style: chr1-62979154-G-A.
Other names: c.4243C>T, p.Arg1415Ter (NM_001271999.2, NM_001330614.2); c.4150C>T, p.Arg1384Ter (NM_001272000.2, NM_001272001.2, NM_033407.4); short protein forms R1384*, R1415*.
Identifiers: ClinVar variation 2500750 (VCV002500750.6), dbSNP rs1644562145, ClinGen allele CA340623976.